The following is an entry in ClinVar:

ClinVar aggregate classification (germline): Uncertain significance. Review status: criteria provided, multiple submitters, no conflicts (2 of 4 stars). 2 submissions from 2 submitters: Uncertain significance (2). Last evaluated 2023-03-08.

Conditions:
Aortic aneurysm, familial thoracic 8 (AAT8). Identifiers: MedGen C3809513, MONDO:0014187, OMIM 615436.
Familial thoracic aortic aneurysm and aortic dissection (TAAD). Also called: Thoracic aortic aneurysms and dissections. Identifiers: Orphanet 91387, MedGen C4707243, MONDO:0019625.

Allele frequency attached by ClinVar (database versions not stated): TOPMed below 0.00001; gnomAD 0.00001.
gnomAD v4.1: 2 of 1,609,298 alleles (0.00012%); highest among the groups gnomAD compares: Non-Finnish European, 0.00017%; no homozygotes.

Submissions (2):

Labcorp Genetics (formerly Invitae), Labcorp
Classification: Uncertain significance for Aortic aneurysm, familial thoracic 8. Last evaluated: 2023-03-08. Review status: criteria provided, single submitter. Criteria: Invitae Variant Classification Sherloc (09022015). Collection method: clinical testing. Allele origin: germline.
Comment: This sequence change replaces aspartic acid, which is acidic and polar, with tyrosine, which is neutral and polar, at codon 627 of the PRKG1 protein (p.Asp627Tyr). In summary, the available evidence is currently insufficient to determine the role of this variant in disease. Therefore, it has been classified as a Variant of Uncertain Significance. An algorithm developed to predict the effect of missense changes on protein structure and function (PolyPhen-2) suggests that this variant is likely to be disruptive. ClinVar contains an entry for this variant (Variation ID: 520142). This variant has not been reported in the literature in individuals affected with PRKG1-related conditions. This variant is present in population databases (no rsID available, gnomAD 0.007%).

Ambry Genetics
Classification: Uncertain significance for Familial thoracic aortic aneurysm and aortic dissection. Last evaluated: 2022-03-15. Review status: criteria provided, single submitter. Criteria: Ambry Variant Classification Scheme 2023. Collection method: clinical testing. Allele origin: germline.
Comment: The p.D627Y variant (also known as c.1879G>T), located in coding exon 16 of the PRKG1 gene, results from a G to T substitution at nucleotide position 1879. The aspartic acid at codon 627 is replaced by tyrosine, an amino acid with highly dissimilar properties. This amino acid position is highly conserved in available vertebrate species. In addition, the in silico prediction for this alteration is inconclusive. Since supporting evidence is limited at this time, the clinical significance of this alteration remains unclear.

NM_006258.4(PRKG1):c.1879G>T (p.Asp627Tyr)

Gene: PRKG1 (protein kinase cGMP-dependent 1; plus strand). Cytogenetic location: 10q21.1.
Variant type: single nucleotide variant.
Coding change: c.1879G>T on transcript NM_006258.4 (MANE Select); coding-DNA position 1879, G replaced by T.
Protein change: p.Asp627Tyr; replaces aspartic acid 627 with tyrosine.
Molecular consequence: missense variant.
Genome position (GRCh38, 1-based): chr10:52,288,977, G>T. VCF-style: chr10-52288977-G-T. GRCh37 (hg19) VCF-style: chr10-54048737-G-T.
Other names: c.1879G>T, p.Asp627Tyr (LRG_1135t1); c.1834G>T, p.Asp612Tyr (LRG_1135t2, NM_001098512.3); short protein forms D612Y, D627Y.
Identifiers: ClinVar variation 520142 (VCV000520142.8), dbSNP rs1428272946, ClinGen allele CA376536507.